The following is an entry in ClinVar:

ClinVar aggregate classification (germline): Uncertain significance (1 of 4 stars; one submission).

Allele frequency attached by ClinVar (database versions not stated): TOPMed below 0.00001; gnomAD 0.00001; gnomAD exomes 0.00002 and 0.00004.
gnomAD v4.1: 52 of 1,614,074 alleles (0.0032%); highest among the groups gnomAD compares: Non-Finnish European, 0.0042%; no homozygotes.

Submission:

Labcorp Genetics (formerly Invitae), Labcorp
Classification: Uncertain significance. Last evaluated: 2024-02-23. Review status: criteria provided, single submitter. Criteria: Invitae Variant Classification Sherloc (09022015). Collection method: clinical testing. Allele origin: germline.
Comment: This sequence change replaces valine, which is neutral and non-polar, with isoleucine, which is neutral and non-polar, at codon 1545 of the CEP250 protein (p.Val1545Ile). This variant is present in population databases (no rsID available, gnomAD 0.004%). This variant has not been reported in the literature in individuals affected with CEP250-related conditions. ClinVar contains an entry for this variant (Variation ID: 1016039). Algorithms developed to predict the effect of missense changes on protein structure and function output the following: SIFT: "Not Available"; PolyPhen-2: "Benign"; Align-GVGD: "Not Available". The isoleucine amino acid residue is found in multiple mammalian species, which suggests that this missense change does not adversely affect protein function. In summary, the available evidence is currently insufficient to determine the role of this variant in disease. Therefore, it has been classified as a Variant of Uncertain Significance.

NM_007186.6(CEP250):c.4633G>A (p.Val1545Ile)

Gene: CEP250 (centrosomal protein 250; plus strand). Cytogenetic location: 20q11.22.
Variant type: single nucleotide variant.
Coding change: c.4633G>A on transcript NM_007186.6 (MANE Select); coding-DNA position 4633, G replaced by A.
Protein change: p.Val1545Ile; replaces valine 1545 with isoleucine.
Molecular consequence: missense variant.
Genome position (GRCh38, 1-based): chr20:35,503,002, G>A. VCF-style: chr20-35503002-G-A. GRCh37 (hg19) VCF-style: chr20-34090830-G-A.
Other names: c.2737G>A, p.Val913Ile (NM_001318219.1); short protein forms V1545I, V913I.
Identifiers: ClinVar variation 1016039 (VCV001016039.8), dbSNP rs1249251601, ClinGen allele CA408748921.
Genomic context (GRCh38, chr20:35,503,002, plus strand): 5'-GAGCATCAGCTTCTAGAACTTGAGAAGAAAGACCAAATGATTGAGTCCCAGAGAGGACAG[G>A]TTCAGGACCTGAAAAAGCAGTTGGTTACTCTGGAATGCCTGGCCCTGGAACTGGAGGAAA-3'
Protein context (NP_009117.2, residues 1535-1555): DQMIESQRGQ[Val1545Ile]QDLKKQLVTL